The following is an entry in ClinVar:

ClinVar aggregate classification (germline): Uncertain significance (1 of 4 stars; one submission).

gnomAD v4.1: 3 of 1,614,116 alleles (0.00019%); highest among the groups gnomAD compares: Non-Finnish European, 0.00025%; no homozygotes.

Submission:

Labcorp Genetics (formerly Invitae), Labcorp
Classification: Uncertain significance. Last evaluated: 2025-03-01. Review status: criteria provided, single submitter. Criteria: Invitae Variant Classification Sherloc (09022015). Collection method: clinical testing. Allele origin: germline.
Comment: This sequence change replaces alanine, which is neutral and non-polar, with glycine, which is neutral and non-polar, at codon 510 of the FN1 protein (p.Ala510Gly). This variant is present in population databases (rs762113137, gnomAD 0.002%). This variant has not been reported in the literature in individuals affected with FN1-related conditions. An algorithm developed to predict the effect of missense changes on protein structure and function (PolyPhen-2) suggests that this variant is likely to be disruptive. In summary, the available evidence is currently insufficient to determine the role of this variant in disease. Therefore, it has been classified as a Variant of Uncertain Significance.

NM_212482.4(FN1):c.1529C>G (p.Ala510Gly)

Gene: FN1 (fibronectin 1; minus strand). Cytogenetic location: 2q35.
Variant type: single nucleotide variant.
Coding change: c.1529C>G on transcript NM_212482.4 (MANE Select); coding-DNA position 1529, C replaced by G.
Protein change: p.Ala510Gly; replaces alanine 510 with glycine.
Molecular consequence: missense variant.
Genome position (GRCh38, 1-based): chr2:215,422,108, G>C on the plus strand (C>G on the coding strand, the complement: FN1 is on the minus strand). VCF-style: chr2-215422108-G-C. GRCh37 (hg19) VCF-style: chr2-216286831-G-C.
Other names: c.1529C>G, p.Ala510Gly (NM_001306129.2, NM_001306130.2, NM_001306131.2 and 14 more transcripts); short protein forms A510G.
Identifiers: ClinVar variation 4698898 (VCV004698898.1).